The following is an entry in ClinVar:

ClinVar aggregate classification (germline): Uncertain significance (1 of 4 stars; one submission).

Submission:

Labcorp Genetics (formerly Invitae), Labcorp
Classification: Uncertain significance. Last evaluated: 2025-08-19. Review status: criteria provided, single submitter. Criteria: Invitae Variant Classification Sherloc (09022015). Collection method: clinical testing. Allele origin: germline.
Comment: This sequence change affects codon 335 of the PISD mRNA. It is a 'silent' change, meaning that it does not change the encoded amino acid sequence of the PISD protein. This variant also falls at the last nucleotide of exon 7, which is part of the consensus splice site for this exon. This variant is not present in population databases (gnomAD no frequency). This variant has not been reported in the literature in individuals affected with PISD-related conditions. Variants that disrupt the consensus splice site are a relatively common cause of aberrant splicing (PMID: 17576681, 9536098). Algorithms developed to predict the effect of sequence changes on RNA splicing suggest that this variant is not likely to affect RNA splicing. In summary, the available evidence is currently insufficient to determine the role of this variant in disease. Therefore, it has been classified as a Variant of Uncertain Significance.

Literature cited by the submitters: PubMed 17576681; PubMed 9536098.

NM_001326411.2(PISD):c.1005G>A (p.Arg335=)

Gene: PISD (phosphatidylserine decarboxylase; minus strand). Cytogenetic location: 22q12.2.
Variant type: single nucleotide variant.
Coding change: c.1005G>A on transcript NM_001326411.2 (MANE Select); coding-DNA position 1005, G replaced by A.
Protein change: p.Arg335=; no amino-acid change (arginine 335 retained).
Molecular consequence: synonymous variant. On other transcripts: intron variant (1).
Genome position (GRCh38, 1-based): chr22:31,620,553, C>T on the plus strand (G>A on the coding strand, the complement: PISD is on the minus strand). VCF-style: chr22-31620553-C-T. GRCh37 (hg19) VCF-style: chr22-32016539-C-T.
Other names: c.942G>A, p.Arg314= (NM_001326412.1, NM_001326413.2, NM_001326414.2); c.903G>A, p.Arg301= (NM_001326415.2, NM_001326416.2, NM_001326417.2 and 2 more transcripts); c.825G>A, p.Arg275= (NM_001326418.2); c.789G>A, p.Arg263= (NM_001326419.2); c.711G>A, p.Arg237= (NM_001326420.2); c.844+443G>A (NM_001326421.1).
Identifiers: ClinVar variation 4725077 (VCV004725077.1).